The following is an entry in ClinVar:

ClinVar aggregate classification (germline): Likely benign. Review status: criteria provided, multiple submitters, no conflicts (2 of 4 stars). 2 submissions from 2 submitters: Likely benign (2). Last evaluated 2026-01-01.

Allele frequency attached by ClinVar (database versions not stated): gnomAD 0.00013; TOPMed 0.00015.

Submissions (2):

CeGaT Center for Human Genetics Tuebingen
Classification: Likely benign. Last evaluated: 2026-01-01. Review status: criteria provided, single submitter. Criteria: CeGaT Center For Human Genetics Tuebingen Variant Classification Criteria Version 2. Collection method: clinical testing. Allele origin: germline. Affected: yes. Observed: 1 variant allele.
Comment: LIPT2: BP4, BP7

Labcorp Genetics (formerly Invitae), Labcorp
Classification: Likely benign. Last evaluated: 2025-12-21. Review status: criteria provided, single submitter. Criteria: Invitae Variant Classification Sherloc (09022015). Collection method: clinical testing. Allele origin: germline.

NM_001144869.3(LIPT2):c.15C>T (p.Ala5=)

Genes: LIPT2 (lipoyl(octanoyl) transferase 2; minus strand), LIPT2-AS1 (LIPT2 antisense RNA 1; plus strand). Cytogenetic location: 11q13.4.
Variant type: single nucleotide variant.
Coding change: c.15C>T on transcript NM_001144869.3 (MANE Select); coding-DNA position 15, C replaced by T.
Protein change: p.Ala5=; no amino-acid change (alanine 5 retained).
Molecular consequence: synonymous variant. On other transcripts: non-coding transcript variant (1).
Genome position (GRCh38, 1-based): chr11:74,493,689, G>A on the plus strand (C>T on the coding strand, the complement: LIPT2 is on the minus strand). VCF-style: chr11-74493689-G-A. GRCh37 (hg19) VCF-style: chr11-74204734-G-A.
Other names: c.15C>T, p.Ala5= (NM_001329941.2, NM_001329942.2).
Identifiers: ClinVar variation 2050857 (VCV002050857.8), dbSNP rs970750172, ClinGen allele CA224979346.